The following is an entry in ClinVar:

NM_004183.4(BEST1):c.1198G>C (p.Asp400His)

Gene: BEST1 (bestrophin 1; plus strand). Cytogenetic location: 11q12.3.
Variant type: single nucleotide variant.
Coding change: c.1198G>C on transcript NM_004183.4 (MANE Select); coding-DNA position 1198, G replaced by C.
Protein change: p.Asp400His; replaces aspartic acid 400 with histidine.
Molecular consequence: missense variant. On other transcripts: non-coding transcript variant (1).
Genome position (GRCh38, 1-based): chr11:61,962,352, G>C. VCF-style: chr11-61962352-G-C. GRCh37 (hg19) VCF-style: chr11-61729824-G-C.
Other names: c.1018G>C, p.Asp340His (NM_001139443.3, NM_001300787.2); c.937G>C, p.Asp313His (NM_001300786.2); c.880G>C, p.Asp294His (NM_001363591.3); c.*93G>C (NM_001363592.2); c.226G>C, p.Asp76His (NM_001363593.3); short protein forms D313H, D400H, D294H, D340H, D76H.
Identifiers: ClinVar variation 954901 (VCV000954901.10), dbSNP rs767605874, ClinGen allele CA380847642.

ClinVar aggregate classification (germline): Uncertain significance. Review status: criteria provided, multiple submitters, no conflicts (2 of 4 stars). 2 submissions from 2 submitters: Uncertain significance (2). Last evaluated 2024-02-07.

gnomAD v4.1: 7 of 1,614,150 alleles (0.00043%); highest among the groups gnomAD compares: Non-Finnish European, 0.00059%; no homozygotes.

Submissions (2):

Blueprint Genetics
Classification: Uncertain significance. Last evaluated: 2024-02-07. Review status: criteria provided, single submitter. Criteria: ACMG Guidelines, 2015. Collection method: clinical testing. Allele origin: germline.

Labcorp Genetics (formerly Invitae), Labcorp
Classification: Uncertain significance. Last evaluated: 2019-10-15. Review status: criteria provided, single submitter. Criteria: Invitae Variant Classification Sherloc (09022015). Collection method: clinical testing. Allele origin: germline.
Comment: This variant has not been reported in the literature in individuals with BEST1-related conditions. This variant is not present in population databases (ExAC no frequency). This sequence change replaces aspartic acid with histidine at codon 400 of the BEST1 protein (p.Asp400His). The aspartic acid residue is weakly conserved and there is a moderate physicochemical difference between aspartic acid and histidine. Algorithms developed to predict the effect of missense changes on protein structure and function (SIFT, PolyPhen-2, Align-GVGD) all suggest that this variant is likely to be tolerated, but these predictions have not been confirmed by published functional studies and their clinical significance is uncertain. In summary, the available evidence is currently insufficient to determine the role of this variant in disease. Therefore, it has been classified as a Variant of Uncertain Significance.